The following is an entry in ClinVar:

NM_078480.3(PUF60):c.-1G>A

Genes: PUF60 (poly(U) binding splicing factor 60; minus strand), LOC126860549 (MED14-independent group 3 enhancer GRCh37_chr8:144911577-144912776; plus strand). Cytogenetic location: 8q24.3.
Variant type: single nucleotide variant.
Coding change: c.-1G>A on transcript NM_078480.3 (MANE Select); 1 bases upstream of the start codon, G replaced by A.
Molecular consequence: 5 prime UTR variant.
Genome position (GRCh38, 1-based): chr8:143,829,304, C>T on the plus strand (G>A on the coding strand, the complement: PUF60 is on the minus strand). VCF-style: chr8-143829304-C-T. GRCh37 (hg19) VCF-style: chr8-144911474-C-T.
Other names: c.-1G>A (NM_001271096.2, NM_001271097.2, NM_001271098.2 and 2 more transcripts).
Identifiers: ClinVar variation 2575531 (VCV002575531.2), dbSNP rs2538951323, ClinGen allele CA2580617243.

ClinVar aggregate classification (germline): Uncertain significance (1 of 4 stars; one submission).

Allele frequency attached by ClinVar (database versions not stated): gnomAD exomes below 0.00001.
gnomAD v4.1: 5 of 1,265,708 alleles (0.0004%); highest among the groups gnomAD compares: East Asian, 0.0031%; no homozygotes.

Submission:

GeneDx
Classification: Uncertain significance. Last evaluated: 2025-10-06. Review status: criteria provided, single submitter. Criteria: GeneDx Variant Classification Process June 2021. Collection method: clinical testing. Allele origin: germline. Affected: yes.
Comment: Not observed at significant frequency in large population cohorts (gnomAD); Located in a regulatory region; in the absence of functional studies, the actual effect of this sequence change is unknown; Located in a region that tolerates variation and lacks pathogenic variants; Has not been previously published as pathogenic or benign to our knowledge